The following is an entry in ClinVar:

NM_012123.4(MTO1):c.1920C>G (p.Ile640Met)

Gene: MTO1 (mitochondrial tRNA translation optimization 1; plus strand). Cytogenetic location: 6q13.
Variant type: single nucleotide variant.
Coding change: c.1920C>G on transcript NM_012123.4 (MANE Select); coding-DNA position 1920, C replaced by G.
Protein change: p.Ile640Met; replaces isoleucine 640 with methionine.
Molecular consequence: missense variant.
Genome position (GRCh38, 1-based): chr6:73,500,576, C>G. VCF-style: chr6-73500576-C-G. GRCh37 (hg19) VCF-style: chr6-74210299-C-G.
Other names: c.2040C>G, p.Ile680Met (NM_001123226.2); c.1995C>G, p.Ile665Met (NM_133645.3); c.2040C>G (NM_001123226.1); short protein forms I665M, I640M, I680M.
Identifiers: ClinVar variation 1404016 (VCV001404016.6), dbSNP rs201198672, ClinGen allele CA3889791.

ClinVar aggregate classification (germline): Uncertain significance. Review status: criteria provided, multiple submitters, no conflicts (2 of 4 stars). 3 submissions from 3 submitters: Uncertain significance (3). Last evaluated 2025-05-16.

Conditions:
Mitochondrial hypertrophic cardiomyopathy with lactic acidosis due to MTO1 deficiency. Also called: CARDIOMYOPATHY, INFANTILE HYPERTROPHIC MITOCHONDRIAL, AND LACTIC ACIDOSIS; Combined oxidative phosphorylation deficiency 10. Identifiers: Orphanet 314637, MedGen C4749921, MONDO:0013865, OMIM 614702.
Inborn genetic diseases. Identifiers: MedGen C0950123, MeSH D030342.

Allele frequency attached by ClinVar (database versions not stated): 1000 Genomes Project 30x 0.00016; 1000 Genomes Project 0.00020.
gnomAD v4.1: 104 of 1,609,086 alleles (0.0065%); highest among the groups gnomAD compares: Non-Finnish European, 0.0056%; no homozygotes.

Submissions (3):

Revvity Omics, Revvity
Classification: Uncertain significance for Mitochondrial hypertrophic cardiomyopathy with lactic acidosis due to MTO1 deficiency. Last evaluated: 2025-05-16. Review status: criteria provided, single submitter. Criteria: ACMG Guidelines, 2015. Collection method: clinical testing. Allele origin: germline.

Ambry Genetics
Classification: Uncertain significance for Inborn genetic diseases. Last evaluated: 2025-01-01. Review status: criteria provided, single submitter. Criteria: Ambry Variant Classification Scheme 2023. Collection method: clinical testing. Allele origin: germline.

Labcorp Genetics (formerly Invitae), Labcorp
Classification: Uncertain significance for Mitochondrial hypertrophic cardiomyopathy with lactic acidosis due to MTO1 deficiency. Last evaluated: 2024-11-16. Review status: criteria provided, single submitter. Criteria: Invitae Variant Classification Sherloc (09022015). Collection method: clinical testing. Allele origin: germline.
Comment: This sequence change replaces isoleucine, which is neutral and non-polar, with methionine, which is neutral and non-polar, at codon 640 of the MTO1 protein (p.Ile640Met). This variant is present in population databases (rs201198672, gnomAD 0.08%). This variant has not been reported in the literature in individuals affected with MTO1-related conditions. ClinVar contains an entry for this variant (Variation ID: 1404016). An algorithm developed to predict the effect of missense changes on protein structure and function (PolyPhen-2) suggests that this variant is likely to be disruptive. In summary, the available evidence is currently insufficient to determine the role of this variant in disease. Therefore, it has been classified as a Variant of Uncertain Significance.